The following is an entry in ClinVar:

NM_017763.6(RNF43):c.1510G>C (p.Asp504His)

Gene: RNF43 (ring finger protein 43; minus strand). Cytogenetic location: 17q22.
Variant type: single nucleotide variant.
Coding change: c.1510G>C on transcript NM_017763.6 (MANE Select); coding-DNA position 1510, G replaced by C.
Protein change: p.Asp504His; replaces aspartic acid 504 with histidine.
Molecular consequence: missense variant.
Genome position (GRCh38, 1-based): chr17:58,358,266, C>G on the plus strand (G>C on the coding strand, the complement: RNF43 is on the minus strand). VCF-style: chr17-58358266-C-G. GRCh37 (hg19) VCF-style: chr17-56435627-C-G.
Other names: c.1510G>C, p.Asp504His (NM_001305544.3, NM_001438820.1, NM_001438821.1 and 1 more transcripts); c.1129G>C, p.Asp377His (NM_001305545.2, NM_001437987.1); short protein forms D504H, D377H.
Identifiers: ClinVar variation 5028339 (VCV005028339.1).

ClinVar aggregate classification (germline): Uncertain significance (1 of 4 stars; one submission).

Submission:

Ambry Genetics
Classification: Uncertain significance. Last evaluated: 2026-07-23. Review status: criteria provided, single submitter. Criteria: Ambry Variant Classification Scheme 2023. Collection method: clinical testing. Allele origin: germline.
Comment: The p.D504H variant (also known as c.1510G>C), located in coding exon 8 of the RNF43 gene, results from a G to C substitution at nucleotide position 1510. The aspartic acid at codon 504 is replaced by histidine, an amino acid with similar properties. This amino acid position is conserved. In addition, the in silico prediction for this alteration is inconclusive. Based on the available evidence, the clinical significance of this variant remains unclear.